The following is an entry in ClinVar:

NM_000059.4(BRCA2):c.5393A>G (p.Asn1798Ser)

Gene: BRCA2 (BRCA2 DNA repair associated; plus strand). Cytogenetic location: 13q13.1.
Variant type: single nucleotide variant.
Coding change: c.5393A>G on transcript NM_000059.4 (MANE Select); coding-DNA position 5393, A replaced by G.
Protein change: p.Asn1798Ser; replaces asparagine 1798 with serine.
Molecular consequence: missense variant.
Genome position (GRCh38, 1-based): chr13:32,339,748, A>G. VCF-style: chr13-32339748-A-G. GRCh37 (hg19) VCF-style: chr13-32913885-A-G.
Other names: short protein forms N1798S.
Identifiers: ClinVar variation 629988 (VCV000629988.6), dbSNP rs1566232376, ClinGen allele CA387785280.

ClinVar aggregate classification (germline): Conflicting classifications of pathogenicity. Review status: criteria provided, conflicting classifications (1 of 4 stars). 3 submissions from 3 submitters: Uncertain significance (2); Likely benign (1). Last evaluated 2025-05-22.

Conditions:
Hereditary breast ovarian cancer syndrome. Also called: Hereditary breast and ovarian cancer syndrome; Hereditary breast and ovarian cancer; Hereditary breast and ovarian cancer syndrome (HBOC); Breast and ovarian cancer; Hereditary breast and/or ovarian cancer syndrome; BRCA1- and BRCA2-Associated Hereditary Breast and Ovarian Cancer. Identifiers: Orphanet 145, MedGen C0677776, MeSH D061325, MONDO:0003582. Disease mechanism: loss of function.
Hereditary cancer-predisposing syndrome. Also called: Neoplastic Syndromes, Hereditary; Tumor predisposition; Hereditary neoplastic syndrome; Hereditary Cancer Syndrome. Identifiers: Orphanet 140162, MedGen C0027672, MeSH D009386, MONDO:0015356.

Submissions (3):

Labcorp Genetics (formerly Invitae), Labcorp
Classification: Uncertain significance for Hereditary breast ovarian cancer syndrome. Last evaluated: 2025-05-22. Review status: criteria provided, single submitter. Criteria: Invitae Variant Classification Sherloc (09022015). Collection method: clinical testing. Allele origin: germline.
Comment: This sequence change replaces asparagine, which is neutral and polar, with serine, which is neutral and polar, at codon 1798 of the BRCA2 protein (p.Asn1798Ser). This variant is not present in population databases (gnomAD no frequency). This variant has not been reported in the literature in individuals affected with BRCA2-related conditions. ClinVar contains an entry for this variant (Variation ID: 629988). Invitae Evidence Modeling of protein sequence and biophysical properties (such as structural, functional, and spatial information, amino acid conservation, physicochemical variation, residue mobility, and thermodynamic stability) indicates that this missense variant is not expected to disrupt BRCA2 protein function with a negative predictive value of 95%. In summary, the available evidence is currently insufficient to determine the role of this variant in disease. Therefore, it has been classified as a Variant of Uncertain Significance.

University of Washington Department of Laboratory Medicine, University of Washington
Classification: Likely benign for Hereditary cancer-predisposing syndrome. Last evaluated: 2023-03-23. Review status: criteria provided, single submitter. Criteria: Dines et al. (Genet Med. 2020). Collection method: curation. Allele origin: germline.
Comment: Missense variant in a coldspot region where missense variants are very unlikely to be pathogenic (PMID:31911673).

BRCA2 exon 11 coldspot. Reclassification based on statistical prior probability.

Color Diagnostics, LLC DBA Color Health
Classification: Uncertain significance for Hereditary cancer-predisposing syndrome. Last evaluated: 2019-06-22. Review status: criteria provided, single submitter. Criteria: ACMG Guidelines, 2015. Collection method: clinical testing. Allele origin: germline.